The following is an entry in ClinVar:

ClinVar aggregate classification (germline): Uncertain significance. Review status: criteria provided, multiple submitters, no conflicts (2 of 4 stars). 2 submissions from 2 submitters: Uncertain significance (2). Last evaluated 2025-07-21.

Conditions:
Marfan syndrome (MFS). Also called: MARFAN SYNDROME, TYPE I; Marfan syndrome type 1; Marfan's syndrome; Marfan syndrome, classic; FBN1-Related Marfan Syndrome. Identifiers: Orphanet 284963, Orphanet 558, MedGen C0024796, MONDO:0007947, OMIM 154700.
Familial thoracic aortic aneurysm and aortic dissection (TAAD). Also called: Thoracic aortic aneurysms and dissections. Identifiers: Orphanet 91387, MedGen C4707243, MONDO:0019625.

Submissions (2):

GeneDx
Classification: Uncertain significance. Last evaluated: 2025-07-21. Review status: criteria provided, single submitter. Criteria: GeneDx Variant Classification Process June 2021. Collection method: clinical testing. Allele origin: germline. Affected: yes.
Comment: Not observed at significant frequency in large population cohorts (gnomAD); In silico analysis supports that this missense variant has a deleterious effect on protein structure/function; Has not been previously published as pathogenic or benign to our knowledge

Labcorp Genetics (formerly Invitae), Labcorp
Classification: Uncertain significance for Marfan syndrome; Familial thoracic aortic aneurysm and aortic dissection. Last evaluated: 2025-01-15. Review status: criteria provided, single submitter. Criteria: Invitae Variant Classification Sherloc (09022015). Collection method: clinical testing. Allele origin: germline.
Comment: This sequence change replaces proline, which is neutral and non-polar, with arginine, which is basic and polar, at codon 2391 of the FBN1 protein (p.Pro2391Arg). This variant is not present in population databases (gnomAD no frequency). This variant has not been reported in the literature in individuals affected with FBN1-related conditions. ClinVar contains an entry for this variant (Variation ID: 2954052). Invitae Evidence Modeling of protein sequence and biophysical properties (such as structural, functional, and spatial information, amino acid conservation, physicochemical variation, residue mobility, and thermodynamic stability) indicates that this missense variant is expected to disrupt FBN1 protein function with a positive predictive value of 95%. In summary, the available evidence is currently insufficient to determine the role of this variant in disease. Therefore, it has been classified as a Variant of Uncertain Significance.

NM_000138.5(FBN1):c.7172C>G (p.Pro2391Arg)

Gene: FBN1 (fibrillin 1; minus strand). Cytogenetic location: 15q21.1.
Variant type: single nucleotide variant.
Coding change: c.7172C>G on transcript NM_000138.5 (MANE Select); coding-DNA position 7172, C replaced by G.
Protein change: p.Pro2391Arg; replaces proline 2391 with arginine.
Molecular consequence: missense variant.
Genome position (GRCh38, 1-based): chr15:48,427,599, G>C on the plus strand (C>G on the coding strand, the complement: FBN1 is on the minus strand). VCF-style: chr15-48427599-G-C. GRCh37 (hg19) VCF-style: chr15-48719796-G-C.
Other names: c.7172C>G, p.Pro2391Arg (NM_001406716.1); short protein forms P2391R.
Identifiers: ClinVar variation 2954052 (VCV002954052.4), dbSNP rs2141228848, ClinGen allele CA392329246.